The following is an entry in ClinVar:

NM_000235.4(LIPA):c.544A>G (p.Ile182Val)

Gene: LIPA (lipase A, lysosomal acid type; minus strand). Cytogenetic location: 10q23.31.
Variant type: single nucleotide variant.
Coding change: c.544A>G on transcript NM_000235.4 (MANE Select); coding-DNA position 544, A replaced by G.
Protein change: p.Ile182Val; replaces isoleucine 182 with valine.
Molecular consequence: missense variant.
Genome position (GRCh38, 1-based): chr10:89,225,223, T>C on the plus strand (A>G on the coding strand, the complement: LIPA is on the minus strand). VCF-style: chr10-89225223-T-C. GRCh37 (hg19) VCF-style: chr10-90984980-T-C.
Other names: c.544A>G, p.Ile182Val (NM_001127605.3, NM_001440818.1, NM_001440819.1 and 16 more transcripts); c.196A>G, p.Ile66Val (NM_001288979.2); c.676A>G, p.Ile226Val (NM_001440836.1); c.565A>G, p.Ile189Val (NM_001440837.1); c.559A>G, p.Ile187Val (NM_001440838.1); c.376A>G, p.Ile126Val (NM_001440839.1); short protein forms I182V, I189V, I187V, I226V, I126V, I66V.
Identifiers: ClinVar variation 5000114 (VCV005000114.1).

ClinVar aggregate classification (germline): Uncertain significance (1 of 4 stars; one submission).

Conditions:
LIPA-related disorder. Also called: LIPA-related disorders; LIPA-related condition.

Submission:

PreventionGenetics, part of Exact Sciences
Classification: Uncertain significance for LIPA-related condition. Last evaluated: 2025-04-03. Review status: criteria provided, single submitter. Criteria: ACMG Guidelines, 2015. Collection method: clinical testing. Allele origin: germline.
Comment: The LIPA c.544A>G variant is predicted to result in the amino acid substitution p.Ile182Val. To our knowledge, this variant has not been reported in the literature or in a large population database (gnomAD), indicating this variant is rare. At this time, the clinical significance of this variant is uncertain due to the absence of conclusive functional and genetic evidence.